The following is an entry in ClinVar:

NM_018941.4(CLN8):c.507C>T (p.Ser169=)

Gene: CLN8 (CLN8 transmembrane ER and ERGIC protein; plus strand). Cytogenetic location: 8p23.3.
Variant type: single nucleotide variant.
Coding change: c.507C>T on transcript NM_018941.4 (MANE Select); coding-DNA position 507, C replaced by T.
Protein change: p.Ser169=; no amino-acid change (serine 169 retained).
Molecular consequence: synonymous variant.
Genome position (GRCh38, 1-based): chr8:1,771,561, C>T. VCF-style: chr8-1771561-C-T. GRCh37 (hg19) VCF-style: chr8-1719727-C-T.
Identifiers: ClinVar variation 56711 (VCV000056711.3), dbSNP rs386834131, ClinGen allele CA264174.
Genomic context (GRCh38, chr8:1,771,561, plus strand): 5'-CTTGGTCAATCTCCAAGCTGGCCACTATCTAGCTATGACCACGTTGCTCCTGGAGATGAG[C>T]ACGCCCTTTACCTGCGTTTCCTGGATGCTCTTAAAGGTAAGTGCATGCATCAGCAGAAGA-3'
Protein context (NP_061764.2, residues 159-179): LAMTTLLLEM[Ser169=]TPFTCVSWML

ClinVar aggregate classification (germline): Conflicting classifications of pathogenicity. Review status: no assertion criteria provided (0 of 4 stars). 2 submissions from 2 submitters: Likely pathogenic (1); Likely benign (1). Last evaluated 2018-05-01.

Conditions:
Neuronal ceroid lipofuscinosis 8 (CLN8). Also called: CLN8-Related Neuronal Ceroid-Lipofuscinosis. Identifiers: Orphanet 168491, Orphanet 228354, Orphanet 79264, MedGen C1838570, MONDO:0010830, OMIM 600143.

Allele frequency attached by ClinVar (database versions not stated): gnomAD exomes below 0.00001.
gnomAD v4.1: 1 of 1,614,086 alleles (0.000062%); highest among the groups gnomAD compares: Non-Finnish European, 0.000085%; no homozygotes.

Submissions (2):

Counsyl
Classification: Likely benign for Neuronal ceroid lipofuscinosis 8. Last evaluated: 2018-05-01. Review status: no assertion criteria provided. Collection method: clinical testing. Allele origin: unknown.

Juha Muilu Group; Institute for Molecular Medicine Finland (FIMM)
Classification: Likely pathogenic for Ceroid lipofuscinosis neuronal 8. Review status: no assertion criteria provided. Collection method: not provided. Allele origin: unknown.
Comment: FinDis database variant: This variant was not found or characterized by our laboratory, data were collected from public sources: see reference
ClinVar note: Converted during submission from probable-pathogenic to Likely pathogenic.